The following is an entry in ClinVar:

NM_001291303.3(FAT4):c.9409G>A (p.Gly3137Ser)

Gene: FAT4 (FAT atypical cadherin 4; plus strand). Cytogenetic location: 4q28.1.
Variant type: single nucleotide variant.
Coding change: c.9409G>A on transcript NM_001291303.3 (MANE Select); coding-DNA position 9409, G replaced by A.
Protein change: p.Gly3137Ser; replaces glycine 3137 with serine.
Molecular consequence: missense variant.
Genome position (GRCh38, 1-based): chr4:125,450,419, G>A. VCF-style: chr4-125450419-G-A. GRCh37 (hg19) VCF-style: chr4-126371574-G-A.
Other names: c.9409G>A, p.Gly3137Ser (NM_001291285.3, NM_001438396.1, NM_001438397.1); c.4180G>A, p.Gly1394Ser (NM_001437895.1); c.9403G>A, p.Gly3135Ser (NM_024582.6); short protein forms G1394S, G3137S, G3135S.
Identifiers: ClinVar variation 4692407 (VCV004692407.1).

ClinVar aggregate classification (germline): Uncertain significance (1 of 4 stars; one submission).

Submission:

Labcorp Genetics (formerly Invitae), Labcorp
Classification: Uncertain significance. Last evaluated: 2025-03-25. Review status: criteria provided, single submitter. Criteria: Invitae Variant Classification Sherloc (09022015). Collection method: clinical testing. Allele origin: germline.
Comment: This sequence change replaces glycine, which is neutral and non-polar, with serine, which is neutral and polar, at codon 3135 of the FAT4 protein (p.Gly3135Ser). This variant is not present in population databases (gnomAD no frequency). This variant has not been reported in the literature in individuals affected with FAT4-related conditions. Invitae Evidence Modeling of protein sequence and biophysical properties (such as structural, functional, and spatial information, amino acid conservation, physicochemical variation, residue mobility, and thermodynamic stability) indicates that this missense variant is not expected to disrupt FAT4 protein function with a negative predictive value of 95%. In summary, the available evidence is currently insufficient to determine the role of this variant in disease. Therefore, it has been classified as a Variant of Uncertain Significance.